The following is an entry in ClinVar:

NM_001379500.1(COL18A1):c.1833+9C>T

Gene: COL18A1 (collagen type XVIII alpha 1 chain; plus strand). Cytogenetic location: 21q22.3.
Variant type: single nucleotide variant.
Coding change: c.1833+9C>T on transcript NM_001379500.1 (MANE Select); 9 bases into the intron after coding-DNA position 1833, C replaced by T.
Molecular consequence: intron variant.
Genome position (GRCh38, 1-based): chr21:45,487,001, C>T. VCF-style: chr21-45487001-C-T. GRCh37 (hg19) VCF-style: chr21-46906915-C-T.
Other names: c.3078+9C>T (NM_130444.3); c.2373+9C>T (NM_030582.4, NM_030582.3).
Identifiers: ClinVar variation 1535193 (VCV001535193.9), dbSNP rs769974256, ClinGen allele CA10066547.
Genomic context (GRCh38, chr21:45,487,001, plus strand): 5'-AGGCCCCCCTGGGCCCCCTGGGCCCCCAGGACCAGGACTCCCCGCTGGATTTGTGAGTAC[C>T]GCCTACACCTGACCCCCTGGAGAGCCGGGGGCTGCCGTTGCCCCAGCCCTACTACCCCTG-3'

ClinVar aggregate classification (germline): Likely benign. Review status: criteria provided, multiple submitters, no conflicts (2 of 4 stars). 2 submissions from 2 submitters: Likely benign (2). Last evaluated 2025-10-28.

Conditions:
COL18A1-related disorder. Also called: COL18A1-related condition; COL18A1-related disorders.

Allele frequency attached by ClinVar (database versions not stated): gnomAD exomes 0.00001 and 0.00002; TOPMed 0.00003; gnomAD 0.00004; ExAC 0.00005.
gnomAD v4.1: 25 of 1,512,128 alleles (0.0017%); highest among the groups gnomAD compares: African/African-American, 0.0085%; no homozygotes.

Submissions (2):

Labcorp Genetics (formerly Invitae), Labcorp
Classification: Likely benign. Last evaluated: 2025-10-28. Review status: criteria provided, single submitter. Criteria: Invitae Variant Classification Sherloc (09022015). Collection method: clinical testing. Allele origin: germline.

PreventionGenetics, part of Exact Sciences
Classification: Likely benign for COL18A1-related condition. Last evaluated: 2025-08-29. Review status: criteria provided, single submitter. Criteria: ACMG Guidelines, 2015. Collection method: clinical testing. Allele origin: germline.
Comment: This variant is classified as likely benign based on ACMG/AMP sequence variant interpretation guidelines (Richards et al. 2015 PMID: 25741868, with internal and published modifications).